The following is an entry in ClinVar:

NM_001018005.2(TPM1):c.240+4443T>A

Genes: TPM1 (tropomyosin 1; plus strand), TPM1-AS (TPM1 antisense RNA; minus strand), LOC130057222 (ATAC-STARR-seq lymphoblastoid silent region 6507; plus strand). Cytogenetic location: 15q22.2.
Variant type: single nucleotide variant.
Coding change: c.240+4443T>A on transcript NM_001018005.2 (MANE Select); 4443 bases into the intron after coding-DNA position 240, T replaced by A.
Molecular consequence: intron variant. On other transcripts: non-coding transcript variant (5), missense variant (12).
Genome position (GRCh38, 1-based): chr15:63,048,595, T>A. VCF-style: chr15-63048595-T-A. GRCh37 (hg19) VCF-style: chr15-63340794-T-A.
Other names: c.20T>A, p.Leu7Gln (NM_001018008.2, NM_001301289.2, NM_001330344.2 and 9 more transcripts); c.366+4443T>A (NM_001365778.1, NM_001407323.1, NM_001407322.1 and 1 more transcripts); c.240+4764T>A (NM_001407336.1, NM_001018020.2, NM_001407338.1 and 7 more transcripts); c.240+4443T>A (NM_001407326.1, NM_001407337.1, NM_001018006.2 and 10 more transcripts); short protein forms L7Q.
Identifiers: ClinVar variation 2632932 (VCV002632932.1), dbSNP rs1266217621, ClinGen allele CA392719128.

ClinVar aggregate classification (germline): Uncertain significance (1 of 4 stars; one submission).

Conditions:
TPM1-related disorder. Also called: TPM1-related condition.

Submission:

PreventionGenetics, part of Exact Sciences
Classification: Uncertain significance for TPM1-related condition. Last evaluated: 2023-05-18. Review status: criteria provided, single submitter. Criteria: ACMG Guidelines, 2015. Collection method: clinical testing. Allele origin: germline.
Comment: The TPM1 c.20T>A variant is predicted to result in the amino acid substitution p.Leu7Gln. This variant is referred to as c.240+4443T>A (intronic) with an alternate transcript NM_001018005. To our knowledge, this variant has not been reported in the literature or in a large population database, indicating this variant is rare. At this time, the clinical significance of this variant is uncertain due to the absence of conclusive functional and genetic evidence.